The following is an entry in ClinVar:

NM_003322.6(TULP1):c.915G>A (p.Val305=)

Gene: TULP1 (TUB like protein 1; minus strand). Cytogenetic location: 6p21.31.
Variant type: single nucleotide variant.
Coding change: c.915G>A on transcript NM_003322.6 (MANE Select); coding-DNA position 915, G replaced by A.
Protein change: p.Val305=; no amino-acid change (valine 305 retained).
Molecular consequence: synonymous variant.
Genome position (GRCh38, 1-based): chr6:35,506,087, C>T on the plus strand (G>A on the coding strand, the complement: TULP1 is on the minus strand). VCF-style: chr6-35506087-C-T. GRCh37 (hg19) VCF-style: chr6-35473864-C-T.
Other names: c.756G>A, p.Val252= (NM_001289395.2).
Identifiers: ClinVar variation 994023 (VCV000994023.11), dbSNP rs1040415272, ClinGen allele CA137288575.

ClinVar aggregate classification (germline): Conflicting classifications of pathogenicity. Review status: criteria provided, conflicting classifications (1 of 4 stars). 2 submissions from 2 submitters: Uncertain significance (1); Likely benign (1). Last evaluated 2024-08-15.

Submissions (2):

Labcorp Genetics (formerly Invitae), Labcorp
Classification: Likely benign. Last evaluated: 2024-08-15. Review status: criteria provided, single submitter. Criteria: Invitae Variant Classification Sherloc (09022015). Collection method: clinical testing. Allele origin: germline.

ARUP Laboratories, Molecular Genetics and Genomics, ARUP Laboratories
Classification: Uncertain significance. Last evaluated: 2019-09-04. Review status: criteria provided, single submitter. Criteria: ARUP Molecular Germline Variant Investigation Process. Collection method: clinical testing. Allele origin: germline.
Comment: The TULP1 c.915G>A, p.Val305Val variant (rs1040415272), to our knowledge, is not reported in the medical literature or gene specific databases. This variant is also absent from general population databases (Exome Variant Server, Genome Aggregation Database), indicating it is not a common polymorphism. This is a synonymous variant in a weakly conserved nucleotide, but computational analyses (Alamut v.2.11) predict that this variant may impact splicing by creating a novel cryptic donor splice site. Due to limited information, the clinical significance of the p.Val305Val variant is uncertain at this time.